The following is an entry in ClinVar:

ClinVar aggregate classification (germline): Likely pathogenic. Review status: criteria provided, single submitter (1 of 4 stars). 2 submissions from 2 submitters: Likely pathogenic (1). 1 of the submissions does not count toward it. Last evaluated 2011-10-04.

Conditions:
Non-small cell lung carcinoma (NSCLC). Also called: Non-small cell lung cancer. Identifiers: MedGen C0007131, MeSH D002289, MONDO:0005233, HP:0030358. Disease mechanism: Other.
Myoepithelial tumor. Identifiers: MedGen C0027070, MeSH D009208, MONDO:0002380.

Submissions (2):

Laboratory for Molecular Medicine, Mass General Brigham Personalized Medicine
Classification: Likely pathogenic for Non-small cell lung carcinoma. Last evaluated: 2011-10-04. Review status: criteria provided, single submitter. Criteria: LMM Criteria. Collection method: clinical testing. Allele origin: somatic. Observed: 1 variant allele.
Comment: Somatic BRAF variants have been identified in up to 3% of cases of lung adenocar cinoma (Davies 2002). The Val600Leu variant has been reported in an ovarian tum or cell line and in a urinary tract carcinoma (Pohl 2005, COSMIC).

Caryl and Israel Englander Institute for Precision Medicine, Weill Cornell Medicine
Classification: Pathogenic for Myoepithelial tumor. Last evaluated: 2022-11-01. Review status: no assertion criteria provided. Collection method: research. Allele origin: somatic. Affected: yes. Not counted in ClinVar's aggregate classification.

Literature cited by the submitters: PubMed 15753399 (cited by Laboratory for Molecular Medicine, Mass General Brigham Personalized Medicine); PubMed 15016963 (cited by Laboratory for Molecular Medicine, Mass General Brigham Personalized Medicine).

NM_004333.6(BRAF):c.1798G>T (p.Val600Leu)

Gene: BRAF (B-Raf proto-oncogene, serine/threonine kinase; minus strand). Cytogenetic location: 7q34.
Variant type: single nucleotide variant.
Coding change: c.1798G>T on transcript NM_004333.6 (MANE Select); coding-DNA position 1798, G replaced by T.
Protein change: p.Val600Leu; replaces valine 600 with leucine.
Molecular consequence: missense variant.
Genome position (GRCh38, 1-based): chr7:140,753,337, C>A on the plus strand (G>T on the coding strand, the complement: BRAF is on the minus strand). VCF-style: chr7-140753337-C-A. GRCh37 (hg19) VCF-style: chr7-140453137-C-A.
Other names: c.1798G>T, p.Val600Leu (NM_001354609.2, NM_001378468.1, NM_001378474.1); c.1918G>T, p.Val640Leu (NM_001374244.1, NM_001374258.1); c.1807G>T, p.Val603Leu (NM_001378467.1); c.1732G>T, p.Val578Leu (NM_001378469.1); c.1696G>T, p.Val566Leu (NM_001378470.1); c.1687G>T, p.Val563Leu (NM_001378471.1); c.1642G>T, p.Val548Leu (NM_001378472.1, NM_001378473.1); c.1534G>T, p.Val512Leu (NM_001378475.1); short protein forms V600L, V603L, V566L, V578L, V640L, V512L, V548L, V563L.
Identifiers: ClinVar variation 44816 (VCV000044816.5), dbSNP rs121913378, ClinGen allele CA135104.